The following is an entry in ClinVar:

ClinVar aggregate classification (germline): Uncertain significance (1 of 4 stars; one submission).

Conditions:
Severe combined immunodeficiency, autosomal recessive, T cell-negative, B cell-negative, NK cell-positive. Also called: SCID, T CELL-NEGATIVE, B CELL-NEGATIVE, NK CELL-POSITIVE; SCID, AR, T-cell negative, B-cell negative, NK cell-positive; Severe combined immunodeficiency due to complete RAG1/2 deficiency. Identifiers: Orphanet 331206, MedGen C1832322, MONDO:0011086, OMIM 601457.
Combined immunodeficiency with skin granulomas. Identifiers: Orphanet 157949, MedGen C2673536, MONDO:0009306, OMIM 233650.

Submission:

Labcorp Genetics (formerly Invitae), Labcorp
Classification: Uncertain significance for Combined immunodeficiency with skin granulomas; Severe combined immunodeficiency, autosomal recessive, T cell-negative, B cell-negative, NK cell-positive. Last evaluated: 2023-05-22. Review status: criteria provided, single submitter. Criteria: Invitae Variant Classification Sherloc (09022015). Collection method: clinical testing. Allele origin: germline.
Comment: Advanced modeling of protein sequence and biophysical properties (such as structural, functional, and spatial information, amino acid conservation, physicochemical variation, residue mobility, and thermodynamic stability) has been performed at Invitae for this missense variant, however the output from this modeling did not meet the statistical confidence thresholds required to predict the impact of this variant on RAG1 protein function. In summary, the available evidence is currently insufficient to determine the role of this variant in disease. Therefore, it has been classified as a Variant of Uncertain Significance. ClinVar contains an entry for this variant (Variation ID: 1382630). This variant has not been reported in the literature in individuals affected with RAG1-related conditions. This variant is not present in population databases (gnomAD no frequency). This sequence change replaces glycine, which is neutral and non-polar, with tryptophan, which is neutral and slightly polar, at codon 816 of the RAG1 protein (p.Gly816Trp).

NM_000448.3(RAG1):c.2446G>T (p.Gly816Trp)

Gene: RAG1 (recombination activating 1; plus strand). Cytogenetic location: 11p12.
Variant type: single nucleotide variant.
Coding change: c.2446G>T on transcript NM_000448.3 (MANE Select); coding-DNA position 2446, G replaced by T.
Protein change: p.Gly816Trp; replaces glycine 816 with tryptophan.
Molecular consequence: missense variant.
Genome position (GRCh38, 1-based): chr11:36,575,750, G>T. VCF-style: chr11-36575750-G-T. GRCh37 (hg19) VCF-style: chr11-36597300-G-T.
Other names: c.2446G>T, p.Gly816Trp (NM_001377277.1, NM_001377278.1, NM_001377279.1 and 1 more transcripts); short protein forms G816W.
Identifiers: ClinVar variation 1382630 (VCV001382630.6), dbSNP rs1850836485, ClinGen allele CA380154740.